The following is an entry in ClinVar:

ClinVar aggregate classification (germline): Uncertain significance. Review status: criteria provided, multiple submitters, no conflicts (2 of 4 stars). 2 submissions from 2 submitters: Uncertain significance (2). Last evaluated 2024-12-06.

Conditions:
Inborn genetic diseases. Identifiers: MedGen C0950123, MeSH D030342.

Allele frequency attached by ClinVar (database versions not stated): ExAC 0.00001; 1000 Genomes Project 30x 0.00016; 1000 Genomes Project 0.00020.

Submissions (2):

Ambry Genetics
Classification: Uncertain significance for Inborn genetic diseases. Last evaluated: 2024-12-06. Review status: criteria provided, single submitter. Criteria: Ambry Variant Classification Scheme 2023. Collection method: clinical testing. Allele origin: germline.

Labcorp Genetics (formerly Invitae), Labcorp
Classification: Uncertain significance. Last evaluated: 2022-08-12. Review status: criteria provided, single submitter. Criteria: Invitae Variant Classification Sherloc (09022015). Collection method: clinical testing. Allele origin: germline.
Comment: This variant has not been reported in the literature in individuals affected with TMEM107-related conditions. In summary, the available evidence is currently insufficient to determine the role of this variant in disease. Therefore, it has been classified as a Variant of Uncertain Significance. Algorithms developed to predict the effect of missense changes on protein structure and function output the following: SIFT: "Tolerated"; PolyPhen-2: "Benign"; Align-GVGD: "Class C0". The serine amino acid residue is found in multiple mammalian species, which suggests that this missense change does not adversely affect protein function. This variant is present in population databases (rs538821271, gnomAD 0.003%). This sequence change replaces arginine, which is basic and polar, with serine, which is neutral and polar, at codon 110 of the TMEM107 protein (p.Arg110Ser).

NM_183065.4(TMEM107):c.310C>A (p.Arg104Ser)

Genes: TMEM107 (transmembrane protein 107; minus strand), LOC105371520 (uncharacterized LOC105371520; plus strand). Cytogenetic location: 17p13.1.
Variant type: single nucleotide variant.
Coding change: c.310C>A on transcript NM_183065.4 (MANE Select); coding-DNA position 310, C replaced by A.
Protein change: p.Arg104Ser; replaces arginine 104 with serine.
Molecular consequence: missense variant. On other transcripts: intron variant (1).
Genome position (GRCh38, 1-based): chr17:8,174,563, G>T on the plus strand (C>A on the coding strand, the complement: TMEM107 is on the minus strand). VCF-style: chr17-8174563-G-T. GRCh37 (hg19) VCF-style: chr17-8077881-G-T.
Other names: c.328C>A, p.Arg110Ser (NM_001351278.2, NM_032354.5); c.310C>A, p.Arg104Ser (NM_001351279.2); c.156-291C>A (NM_001351280.2); c.328C>A (NM_032354.3); short protein forms R110S, R104S.
Identifiers: ClinVar variation 2154166 (VCV002154166.5), dbSNP rs538821271, ClinGen allele CA8370952.
Genomic context (GRCh38, chr17:8,174,563, plus strand): 5'-ATTGGATGCTACCACACCTGCAGAAGACAAAAATGTACCAATACGTAGTGCACTCCCAAC[G>T]CTCGAATATGAAGAAGGACAGGGCCACGGATGCACTACAGTGAGCCCCAATGGCTTGGGA-3'
Protein context (NP_898888.1, residues 94-114): SVALSFFIFE[Arg104Ser]WECTTYWYIF